The following is an entry in ClinVar:

ClinVar aggregate classification (germline): Likely benign. Review status: criteria provided, multiple submitters, no conflicts (2 of 4 stars). 3 submissions from 3 submitters: Likely benign (3). Last evaluated 2022-06-01.

Allele frequency attached by ClinVar (database versions not stated): ESP Exome Variant Server 0.00050; gnomAD 0.00071 and 0.00073; 1000 Genomes Project 30x 0.00078; 1000 Genomes Project 0.00080; gnomAD exomes 0.00080; ExAC 0.00097; TOPMed 0.00109.
gnomAD v4.1: 1,416 of 1,572,472 alleles (0.09%); highest among the groups gnomAD compares: Middle Eastern, 0.28%; 3 homozygotes.

Submissions (3):

CeGaT Center for Human Genetics Tuebingen
Classification: Likely benign. Last evaluated: 2022-06-01. Review status: criteria provided, single submitter. Criteria: CeGaT Center For Human Genetics Tuebingen Variant Classification Criteria Version 2. Collection method: clinical testing. Allele origin: germline. Affected: yes. Observed: 1 variant allele.
Comment: THSD7A: BP4, BP7

Labcorp Genetics (formerly Invitae), Labcorp
Classification: Likely benign. Last evaluated: 2018-04-13. Review status: criteria provided, single submitter. Criteria: Invitae Variant Classification Sherloc (09022015). Collection method: clinical testing. Allele origin: germline.

Breakthrough Genomics
Classification: Likely benign. Review status: criteria provided, single submitter. Criteria: ACMG Guidelines, 2015. Collection method: not provided. Allele origin: germline. Inheritance: Unknown mechanism. Affected: yes.

NM_015204.3(THSD7A):c.4806G>A (p.Gly1602=)

Gene: THSD7A (thrombospondin type 1 domain containing 7A; minus strand). Cytogenetic location: 7p21.3.
Variant type: single nucleotide variant.
Coding change: c.4806G>A on transcript NM_015204.3 (MANE Select); coding-DNA position 4806, G replaced by A.
Protein change: p.Gly1602=; no amino-acid change (glycine 1602 retained).
Molecular consequence: synonymous variant.
Genome position (GRCh38, 1-based): chr7:11,376,653, C>T on the plus strand (G>A on the coding strand, the complement: THSD7A is on the minus strand). VCF-style: chr7-11376653-C-T. GRCh37 (hg19) VCF-style: chr7-11416280-C-T.
Identifiers: ClinVar variation 715898 (VCV000715898.28), dbSNP rs144799458, ClinGen allele CA4163429.